The following is an entry in ClinVar:

NM_004006.3(DMD):c.5985T>G (p.Tyr1995Ter)

Gene: DMD (dystrophin; minus strand). Cytogenetic location: Xp21.1.
Variant type: single nucleotide variant.
Coding change: c.5985T>G on transcript NM_004006.3 (MANE Select); coding-DNA position 5985, T replaced by G.
Protein change: p.Tyr1995Ter; replaces tyrosine 1995 with a stop codon.
Molecular consequence: nonsense.
Genome position (GRCh38, 1-based): chrX:32,310,214, A>C on the plus strand (T>G on the coding strand, the complement: DMD is on the minus strand). VCF-style: chrX-32310214-A-C. GRCh37 (hg19) VCF-style: chrX-32328331-A-C.
Other names: c.5961T>G, p.Tyr1987Ter (NM_000109.4); c.5973T>G, p.Tyr1991Ter (NM_004009.3); c.5616T>G, p.Tyr1872Ter (NM_004010.3); c.1962T>G, p.Tyr654Ter (NM_004011.4); c.1953T>G, p.Tyr651Ter (NM_004012.4); short protein forms Y1995*, Y1872*, Y654*, Y1987*, Y1991*, Y651*.
Identifiers: ClinVar variation 11290 (VCV000011290.4), dbSNP rs128627257, ClinGen allele CA341079.
Genomic context (GRCh38, chrX:32,310,214, plus strand): 5'-TTCCACTTCTAATAGGGCTTGTGAGACATGAGTGATTTCAGTCAAATAAGTAGAAGGCAC[A>C]TAAGAAATTTCCAAAGGCATGTCTTCAGTCATCACCATCATCGTTTCTTCACGGACAGTG-3'

ClinVar aggregate classification (germline): Pathogenic. Review status: criteria provided, single submitter (1 of 4 stars). 2 submissions from 2 submitters: Pathogenic (1). 1 of the submissions does not count toward it. Last evaluated 2023-07-22.

Conditions:
Duchenne muscular dystrophy (DMD). Also called: MUSCULAR DYSTROPHY, PSEUDOHYPERTROPHIC PROGRESSIVE, DUCHENNE TYPE; Duchenne Muscular Dystrophy (DMD). Identifiers: Orphanet 98896, MedGen C0013264, MONDO:0010679, OMIM 310200.

Submissions (2):

Neuberg Centre For Genomic Medicine, NCGM
Classification: Pathogenic for Duchenne muscular dystrophy. Last evaluated: 2023-07-22. Review status: criteria provided, single submitter. Criteria: ACMG Guidelines, 2015. Collection method: clinical testing. Allele origin: germline. Inheritance: X-linked recessive inheritance. Affected: yes.
Comment: The observed stop gained c.5985T>Gp.Tyr1995Ter variant in DMD gene has been reported previously in X-linked state in individuals affected with Duchenne muscular dystrophy Tran et al., 2007. This variant is absent in gnomAD Exomes. This variant has been reported to the ClinVar database as Pathogenic. This variant is predicted to cause loss of normal protein function either through protein truncation or nonsense-mediated mRNA decay. Loss of function variants have been previously reported to be disease causing. Computational evidence MutationTaster - Disease causing automatic predicts damaging effect on protein structure and function for this variant. For these reasons, this variant has been classified as Pathogenic.

OMIM
Classification: Pathogenic for DUCHENNE MUSCULAR DYSTROPHY. Last evaluated: 2007-01-01. Review status: no assertion criteria provided. Collection method: literature only. Allele origin: germline. Not counted in ClinVar's aggregate classification.

Literature cited by the submitters: PubMed 17024373 (cited by OMIM).